The following is an entry in ClinVar:

NM_000051.4(ATM):c.6007-3C>T

Genes: ATM (ATM serine/threonine kinase; plus strand), C11orf65 (chromosome 11 open reading frame 65; minus strand). Cytogenetic location: 11q22.3.
Variant type: single nucleotide variant.
Coding change: c.6007-3C>T on transcript NM_000051.4 (MANE Select); 3 bases into the intron before coding-DNA position 6007, C replaced by T.
Molecular consequence: intron variant.
Genome position (GRCh38, 1-based): chr11:108,315,820, C>T. VCF-style: chr11-108315820-C-T. GRCh37 (hg19) VCF-style: chr11-108186547-C-T.
Other names: c.6007-3C>T (NM_001351834.2); c.641-6749G>A (NM_001330368.2); c.*39-6749G>A (NM_001351110.2).
Identifiers: ClinVar variation 3648948 (VCV003648948.2).

ClinVar aggregate classification (germline): Uncertain significance (1 of 4 stars; one submission).

Conditions:
Ataxia-telangiectasia syndrome (AT). Also called: Ataxia-telangiectasia, complementation group D; AT, COMPLEMENTATION GROUP C; ATAXIA-TELANGIECTASIA, COMPLEMENTATION GROUP A; ATAXIA-TELANGIECTASIA, FRESNO VARIANT; Ataxia-telangiectasia; Ataxia-telangiectasia, complementation group E. Identifiers: Orphanet 100, MedGen C0004135, MONDO:0008840, OMIM 208900.

Submission:

Labcorp Genetics (formerly Invitae), Labcorp
Classification: Uncertain significance for Ataxia-telangiectasia syndrome. Last evaluated: 2024-04-06. Review status: criteria provided, single submitter. Criteria: Invitae Variant Classification Sherloc (09022015). Collection method: clinical testing. Allele origin: germline.
Comment: This sequence change falls in intron 40 of the ATM gene. It does not directly change the encoded amino acid sequence of the ATM protein. It affects a nucleotide within the consensus splice site. This variant is not present in population databases (gnomAD no frequency). This variant has not been reported in the literature in individuals affected with ATM-related conditions. Variants that disrupt the consensus splice site are a relatively common cause of aberrant splicing (PMID: 17576681, 9536098). Algorithms developed to predict the effect of sequence changes on RNA splicing suggest that this variant is not likely to affect RNA splicing. In summary, the available evidence is currently insufficient to determine the role of this variant in disease. Therefore, it has been classified as a Variant of Uncertain Significance.

Literature cited by the submitters: PubMed 17576681; PubMed 9536098.